The following is an entry in ClinVar:

ClinVar aggregate classification (germline): Conflicting classifications of pathogenicity. Review status: criteria provided, conflicting classifications (1 of 4 stars). 3 submissions from 3 submitters: Uncertain significance (2); Likely benign (1). Last evaluated 2025-03-17.

Conditions:
Inborn genetic diseases. Identifiers: MedGen C0950123, MeSH D030342.

Allele frequency attached by ClinVar (database versions not stated): gnomAD 0.00016; 1000 Genomes Project 30x 0.00031; gnomAD exomes 0.00014; ExAC 0.00023; TOPMed 0.00012.

Submissions (3):

Labcorp Genetics (formerly Invitae), Labcorp
Classification: Uncertain significance. Last evaluated: 2025-03-17. Review status: criteria provided, single submitter. Criteria: Invitae Variant Classification Sherloc (09022015). Collection method: clinical testing. Allele origin: germline.
Comment: This sequence change replaces arginine, which is basic and polar, with glutamine, which is neutral and polar, at codon 143 of the TMEM240 protein (p.Arg143Gln). This variant is present in population databases (rs765598128, gnomAD 0.04%), and has an allele count higher than expected for a pathogenic variant. This variant has not been reported in the literature in individuals affected with TMEM240-related conditions. ClinVar contains an entry for this variant (Variation ID: 2519248). An algorithm developed to predict the effect of missense changes on protein structure and function (PolyPhen-2) suggests that this variant is likely to be disruptive. In summary, the available evidence is currently insufficient to determine the role of this variant in disease. Therefore, it has been classified as a Variant of Uncertain Significance.

GeneDx
Classification: Uncertain significance. Last evaluated: 2023-09-08. Review status: criteria provided, single submitter. Criteria: GeneDx Variant Classification Process June 2021. Collection method: clinical testing. Allele origin: germline. Affected: yes.
Comment: In silico analysis supports that this missense variant has a deleterious effect on protein structure/function; Has not been previously published as pathogenic or benign to our knowledge

Ambry Genetics
Classification: Likely benign for Inborn genetic diseases. Last evaluated: 2023-06-02. Review status: criteria provided, single submitter. Criteria: Ambry Variant Classification Scheme 2023. Collection method: clinical testing. Allele origin: germline.

NM_001114748.2(TMEM240):c.428G>A (p.Arg143Gln)

Gene: TMEM240 (transmembrane protein 240; minus strand). Cytogenetic location: 1p36.33.
Variant type: single nucleotide variant.
Coding change: c.428G>A on transcript NM_001114748.2 (MANE Select); coding-DNA position 428, G replaced by A.
Protein change: p.Arg143Gln; replaces arginine 143 with glutamine.
Molecular consequence: missense variant.
Genome position (GRCh38, 1-based): chr1:1,535,453, C>T on the plus strand (G>A on the coding strand, the complement: TMEM240 is on the minus strand). VCF-style: chr1-1535453-C-T. GRCh37 (hg19) VCF-style: chr1-1470833-C-T.
Other names: short protein forms R143Q.
Identifiers: ClinVar variation 2519248 (VCV002519248.6), dbSNP rs765598128, ClinGen allele CA526638.